The following is an entry in ClinVar:

ClinVar aggregate classification (germline): Uncertain significance (1 of 4 stars; one submission).

Submission:

Labcorp Genetics (formerly Invitae), Labcorp
Classification: Uncertain significance. Last evaluated: 2023-11-24. Review status: criteria provided, single submitter. Criteria: Invitae Variant Classification Sherloc (09022015). Collection method: clinical testing. Allele origin: germline.
Comment: This sequence change replaces serine, which is neutral and polar, with glycine, which is neutral and non-polar, at codon 237 of the C1S protein (p.Ser237Gly). This variant is not present in population databases (gnomAD no frequency). This variant has not been reported in the literature in individuals affected with C1S-related conditions. Advanced modeling of protein sequence and biophysical properties (such as structural, functional, and spatial information, amino acid conservation, physicochemical variation, residue mobility, and thermodynamic stability) performed at Invitae indicates that this missense variant is expected to disrupt C1S protein function with a positive predictive value of 80%. In summary, the available evidence is currently insufficient to determine the role of this variant in disease. Therefore, it has been classified as a Variant of Uncertain Significance.

NM_001734.5(C1S):c.709A>G (p.Ser237Gly)

Gene: C1S (complement C1s; plus strand). Cytogenetic location: 12p13.31.
Variant type: single nucleotide variant.
Coding change: c.709A>G on transcript NM_001734.5 (MANE Select); coding-DNA position 709, A replaced by G.
Protein change: p.Ser237Gly; replaces serine 237 with glycine.
Molecular consequence: missense variant.
Genome position (GRCh38, 1-based): chr12:7,065,291, A>G. VCF-style: chr12-7065291-A-G. GRCh37 (hg19) VCF-style: chr12-7172595-A-G.
Other names: c.208A>G, p.Ser70Gly (NM_001346850.2); c.709A>G, p.Ser237Gly (NM_201442.4); short protein forms S70G, S237G.
Identifiers: ClinVar variation 3010922 (VCV003010922.3), dbSNP rs2539598813, ClinGen allele CA383695137.